The following is an entry in ClinVar:

NM_007059.4(KPTN):c.229G>T (p.Asp77Tyr)

Gene: KPTN (kaptin, actin binding protein; minus strand). Cytogenetic location: 19q13.32.
Variant type: single nucleotide variant.
Coding change: c.229G>T on transcript NM_007059.4 (MANE Select); coding-DNA position 229, G replaced by T.
Protein change: p.Asp77Tyr; replaces aspartic acid 77 with tyrosine.
Molecular consequence: missense variant. On other transcripts: non-coding transcript variant (1), intron variant (1).
Genome position (GRCh38, 1-based): chr19:47,483,582, C>A on the plus strand (G>T on the coding strand, the complement: KPTN is on the minus strand). VCF-style: chr19-47483582-C-A. GRCh37 (hg19) VCF-style: chr19-47986839-C-A.
Other names: c.226+353G>T (NM_001291296.2); short protein forms D77Y.
Identifiers: ClinVar variation 943726 (VCV000943726.10), dbSNP rs1226828165, ClinGen allele CA406606516.
Genomic context (GRCh38, chr19:47,483,582, plus strand): 5'-CAACCAGACCCCGCTTGGGGGGTGACTTGTTGAAAGTGTCGATGGAGACAATCTCCGCAT[C>A]CACTGGGAGGGGAGAGTTCTAAGTTCAGTGTCAGGCAGACTCATGCTTCCAATCTCCCCA-3'
Protein context (NP_008990.2, residues 67-87): KELQFNYIPV[Asp77Tyr]AEIVSIDTFN

ClinVar aggregate classification (germline): Uncertain significance (1 of 4 stars; one submission).

Conditions:
Macrocephaly-developmental delay syndrome (MRT41). Also called: INTELLECTUAL DEVELOPMENTAL DISORDER, AUTOSOMAL RECESSIVE 41. Identifiers: Orphanet 397612, MedGen C3810225, MONDO:0014289, OMIM 615637.

Submission:

Labcorp Genetics (formerly Invitae), Labcorp
Classification: Uncertain significance for Macrocephaly-developmental delay syndrome. Last evaluated: 2019-05-25. Review status: criteria provided, single submitter. Criteria: Invitae Variant Classification Sherloc (09022015). Collection method: clinical testing. Allele origin: germline.
Comment: In summary, the available evidence is currently insufficient to determine the role of this variant in disease. Therefore, it has been classified as a Variant of Uncertain Significance. Algorithms developed to predict the effect of sequence changes on RNA splicing suggest that this variant may create or strengthen a splice site, but this prediction has not been confirmed by published transcriptional studies. Algorithms developed to predict the effect of missense changes on protein structure and function are either unavailable or do not agree on the potential impact of this missense change (SIFT: "Deleterious"; PolyPhen-2: "Probably Damaging"; Align-GVGD: "Class C15"). This variant has not been reported in the literature in individuals with KPTN-related conditions. This variant is not present in population databases (ExAC no frequency). This sequence change replaces aspartic acid with tyrosine at codon 77 of the KPTN protein (p.Asp77Tyr). The aspartic acid residue is highly conserved and there is a large physicochemical difference between aspartic acid and tyrosine.